The following is an entry in ClinVar:

Conditions:
Long QT syndrome 5 (LQT5). Identifiers: Orphanet 101016, Orphanet 768, MedGen C1867904, MONDO:0013372, OMIM 613695.

Submission:

Roden Lab, Vanderbilt University Medical Center
No classification provided (evidence only). Condition: Long QT syndrome 5. Review status: no classification provided. Collection method: in vitro. Allele origin: not applicable. Functional consequence: Effect on ion channel function.
ClinVar note: "not provided" was previously submitted as the classification for the variant. However, the classification appeared to be based only on an observation of functional data so it was converted to no classification on 2025-07-30.

NM_000219.6(KCNE1):c.66G>C (p.Gln22His)

Gene: KCNE1 (potassium voltage-gated channel subfamily E regulatory subunit 1; minus strand). Cytogenetic location: 21q22.12.
Variant type: single nucleotide variant.
Coding change: c.66G>C on transcript NM_000219.6 (MANE Select); coding-DNA position 66, G replaced by C.
Protein change: p.Gln22His; replaces glutamine 22 with histidine.
Molecular consequence: missense variant.
Genome position (GRCh38, 1-based): chr21:34,449,569, C>G on the plus strand (G>C on the coding strand, the complement: KCNE1 is on the minus strand). VCF-style: chr21-34449569-C-G. GRCh37 (hg19) VCF-style: chr21-35821867-C-G.
Other names: c.66G>C, p.Gln22His (NM_001127668.4, NM_001127669.4, NM_001127670.4 and 4 more transcripts); short protein forms Q22H.
Identifiers: ClinVar variation 3373954 (VCV003373954.2).
Genomic context (GRCh38, chr21:34,449,569, plus strand): 5'-CAGCTTGCCGTCACTGCTGCGGGGGGACCTGCGGGCCAGGCCCGACATGTTGCCACCCTG[C>G]TGAACTGTCTCCTGCCACAGCTTGGTCAGAAAGGGCGTCACCGCTGTGGTGTTAGACAGG-3'
Protein context (NP_000210.2, residues 12-32): FLTKLWQETV[Gln22His]QGGNMSGLAR